The following is an entry in ClinVar:

NM_002485.5(NBN):c.2241T>A (p.Asn747Lys)

Gene: NBN (nibrin; minus strand). Cytogenetic location: 8q21.3.
Variant type: single nucleotide variant.
Coding change: c.2241T>A on transcript NM_002485.5 (MANE Select); coding-DNA position 2241, T replaced by A.
Protein change: p.Asn747Lys; replaces asparagine 747 with lysine.
Molecular consequence: missense variant.
Genome position (GRCh38, 1-based): chr8:89,935,606, A>T on the plus strand (T>A on the coding strand, the complement: NBN is on the minus strand). VCF-style: chr8-89935606-A-T. GRCh37 (hg19) VCF-style: chr8-90947834-A-T.
Other names: c.1995T>A, p.Asn665Lys (NM_001440380.1, NM_001024688.3, NM_001440379.1); short protein forms N665K, N747K.
Identifiers: ClinVar variation 5025387 (VCV005025387.1).

ClinVar aggregate classification (germline): Uncertain significance (1 of 4 stars; one submission).

Conditions:
Hereditary cancer-predisposing syndrome. Also called: Neoplastic Syndromes, Hereditary; Tumor predisposition; Hereditary neoplastic syndrome; Hereditary Cancer Syndrome. Identifiers: Orphanet 140162, MedGen C0027672, MeSH D009386, MONDO:0015356.

Submission:

Ambry Genetics
Classification: Uncertain significance for Hereditary cancer-predisposing syndrome. Last evaluated: 2026-07-06. Review status: criteria provided, single submitter. Criteria: Ambry Variant Classification Scheme 2023. Collection method: clinical testing. Allele origin: germline.
Comment: The p.N747K variant (also known as c.2241T>A), located in coding exon 16 of the NBN gene, results from a T to A substitution at nucleotide position 2241. The asparagine at codon 747 is replaced by lysine, an amino acid with similar properties. This amino acid position is conserved. In addition, this alteration is predicted to be tolerated by in silico analysis. Based on the available evidence, the clinical significance of this variant remains unclear.